The following is an entry in ClinVar:

ClinVar aggregate classification (germline): Uncertain significance. Review status: criteria provided, multiple submitters, no conflicts (2 of 4 stars). 4 submissions from 4 submitters: Uncertain significance (4). Last evaluated 2026-07-07.

Conditions:
Hereditary cancer-predisposing syndrome. Also called: Neoplastic Syndromes, Hereditary; Hereditary Cancer Syndrome; Hereditary neoplastic syndrome; Tumor predisposition. Identifiers: Orphanet 140162, MedGen C0027672, MeSH D009386, MONDO:0015356.
Peutz-Jeghers syndrome (PJS). Also called: POLYPOSIS, HAMARTOMATOUS INTESTINAL; POLYPS-AND-SPOTS SYNDROME; Peutz-Jeghers polyposis; Periorificial lentiginosis syndrome. Identifiers: Orphanet 2869, MedGen C0031269, MeSH D010580, MONDO:0008280, OMIM 175200.

Submissions (4):

Ambry Genetics
Classification: Uncertain significance for Hereditary cancer-predisposing syndrome. Last evaluated: 2026-07-07. Review status: criteria provided, single submitter. Criteria: Ambry Variant Classification Scheme 2023. Collection method: clinical testing. Allele origin: germline.
Comment: The p.T328I variant (also known as c.983C>T), located in coding exon 8 of the STK11 gene, results from a C to T substitution at nucleotide position 983. The threonine at codon 328 is replaced by isoleucine, an amino acid with similar properties. This amino acid position is conserved. In addition, this alteration is predicted to be tolerated by in silico analysis. Based on the available evidence, the clinical significance of this variant remains unclear.

Color Diagnostics, LLC DBA Color Health
Classification: Uncertain significance for Hereditary cancer-predisposing syndrome. Last evaluated: 2024-03-06. Review status: criteria provided, single submitter. Criteria: ACMG Guidelines, 2015. Collection method: clinical testing. Allele origin: germline.
Comment: This missense variant replaces threonine with isoleucine at codon 328 of the STK11 protein. Computational prediction suggests that this variant may not impact protein structure and function (internally defined REVEL score threshold <= 0.5, PMID: 27666373). To our knowledge, functional studies have not been reported for this variant. This variant has not been reported in individuals affected with hereditary cancer in the literature. This variant has not been identified in the general population by the Genome Aggregation Database (gnomAD). The available evidence is insufficient to determine the role of this variant in disease conclusively. Therefore, this variant is classified as a Variant of Uncertain Significance.

Genome-Nilou Lab
Classification: Uncertain significance for Peutz-Jeghers syndrome. Last evaluated: 2021-07-15. Review status: criteria provided, single submitter. Criteria: ACMG Guidelines, 2015. Collection method: clinical testing. Allele origin: germline. Affected: no.

Labcorp Genetics (formerly Invitae), Labcorp
Classification: Uncertain significance for Peutz-Jeghers syndrome. Last evaluated: 2018-11-23. Review status: criteria provided, single submitter. Criteria: Invitae Variant Classification Sherloc (09022015). Collection method: clinical testing. Allele origin: germline.
Comment: In summary, the available evidence is currently insufficient to determine the role of this variant in disease. Therefore, it has been classified as a Variant of Uncertain Significance. Algorithms developed to predict the effect of missense changes on protein structure and function are either unavailable or do not agree on the potential impact of this missense change (SIFT: "Deleterious"; PolyPhen-2: "Benign"; Align-GVGD: "Class C0"). This variant has not been reported in the literature in individuals with STK11-related conditions. This sequence change replaces threonine with isoleucine at codon 328 of the STK11 protein (p.Thr328Ile). The threonine residue is moderately conserved and there is a moderate physicochemical difference between threonine and isoleucine. This variant is not present in population databases (ExAC no frequency).

NM_000455.5(STK11):c.983C>T (p.Thr328Ile)

Genes: STK11 (serine/threonine kinase 11; plus strand), LOC130062899 (ATAC-STARR-seq lymphoblastoid active region 13597; plus strand). Cytogenetic location: 19p13.3.
Variant type: single nucleotide variant.
Coding change: c.983C>T on transcript NM_000455.5 (MANE Select); coding-DNA position 983, C replaced by T.
Protein change: p.Thr328Ile; replaces threonine 328 with isoleucine.
Molecular consequence: missense variant.
Genome position (GRCh38, 1-based): chr19:1,223,047, C>T. VCF-style: chr19-1223047-C-T. GRCh37 (hg19) VCF-style: chr19-1223046-C-T.
Other names: short protein forms T328I.
Identifiers: ClinVar variation 659897 (VCV000659897.15), dbSNP rs1405959130, ClinGen allele CA402951614.